The following continues an entry in ClinVar:

NM_001353108.3(CEP63):c.555G>C (p.Gln185His)

Gene: CEP63. ClinVar aggregate classification (germline): Benign. Benign (6).

Submissions 34 to 69 of 122:

Dr. Peter K. Rogan Lab, Western University
No classification provided (evidence only). Condition: Thyroid cancer, nonmedullary, 1. Review status: no classification provided. Collection method: in vitro. Allele origin: not applicable. Functional consequence: retained intron. Not counted in ClinVar's aggregate classification.

Dr. Peter K. Rogan Lab, Western University
No classification provided (evidence only). Condition: Thyroid cancer, nonmedullary, 1. Review status: no classification provided. Collection method: in vitro. Allele origin: not applicable. Functional consequence: retained intron. Not counted in ClinVar's aggregate classification.

Dr. Peter K. Rogan Lab, Western University
No classification provided (evidence only). Condition: Thyroid cancer, nonmedullary, 1. Review status: no classification provided. Collection method: in vitro. Allele origin: not applicable. Functional consequence: retained intron. Not counted in ClinVar's aggregate classification.

Dr. Peter K. Rogan Lab, Western University
No classification provided (evidence only). Condition: Thyroid cancer, nonmedullary, 1. Review status: no classification provided. Collection method: in vitro. Allele origin: not applicable. Functional consequence: retained intron. Not counted in ClinVar's aggregate classification.

Dr. Peter K. Rogan Lab, Western University
No classification provided (evidence only). Condition: Thyroid cancer, nonmedullary, 1. Review status: no classification provided. Collection method: in vitro. Allele origin: not applicable. Functional consequence: retained intron. Not counted in ClinVar's aggregate classification.

Dr. Peter K. Rogan Lab, Western University
No classification provided (evidence only). Condition: Thyroid cancer, nonmedullary, 1. Review status: no classification provided. Collection method: in vitro. Allele origin: not applicable. Functional consequence: retained intron. Not counted in ClinVar's aggregate classification.

Dr. Peter K. Rogan Lab, Western University
No classification provided (evidence only). Condition: Thyroid cancer, nonmedullary, 1. Review status: no classification provided. Collection method: in vitro. Allele origin: not applicable. Functional consequence: skipped exon, retained intron. Not counted in ClinVar's aggregate classification.

Dr. Peter K. Rogan Lab, Western University
No classification provided (evidence only). Condition: Thyroid cancer, nonmedullary, 1. Review status: no classification provided. Collection method: in vitro. Allele origin: not applicable. Functional consequence: retained intron. Not counted in ClinVar's aggregate classification.

Dr. Peter K. Rogan Lab, Western University
No classification provided (evidence only). Condition: Thyroid cancer, nonmedullary, 1. Review status: no classification provided. Collection method: in vitro. Allele origin: not applicable. Functional consequence: skipped exon, retained intron. Not counted in ClinVar's aggregate classification.

Dr. Peter K. Rogan Lab, Western University
No classification provided (evidence only). Condition: Thyroid cancer, nonmedullary, 1. Review status: no classification provided. Collection method: in vitro. Allele origin: not applicable. Functional consequence: retained intron. Not counted in ClinVar's aggregate classification.

Dr. Peter K. Rogan Lab, Western University
No classification provided (evidence only). Condition: Thyroid cancer, nonmedullary, 1. Review status: no classification provided. Collection method: in vitro. Allele origin: not applicable. Functional consequence: skipped exon, retained intron. Not counted in ClinVar's aggregate classification.

Dr. Peter K. Rogan Lab, Western University
No classification provided (evidence only). Condition: Uterine corpus endometrial carcinoma. Review status: no classification provided. Collection method: in vitro. Allele origin: not applicable. Functional consequence: retained intron. Not counted in ClinVar's aggregate classification.

Dr. Peter K. Rogan Lab, Western University
No classification provided (evidence only). Condition: Uterine corpus endometrial carcinoma. Review status: no classification provided. Collection method: in vitro. Allele origin: not applicable. Functional consequence: retained intron. Not counted in ClinVar's aggregate classification.

Dr. Peter K. Rogan Lab, Western University
No classification provided (evidence only). Condition: Uterine corpus endometrial carcinoma. Review status: no classification provided. Collection method: in vitro. Allele origin: not applicable. Functional consequence: retained intron. Not counted in ClinVar's aggregate classification.

Dr. Peter K. Rogan Lab, Western University
No classification provided (evidence only). Condition: Uterine corpus endometrial carcinoma. Review status: no classification provided. Collection method: in vitro. Allele origin: not applicable. Functional consequence: retained intron. Not counted in ClinVar's aggregate classification.

Dr. Peter K. Rogan Lab, Western University
No classification provided (evidence only). Condition: Cervical cancer. Review status: no classification provided. Collection method: in vitro. Allele origin: not applicable. Functional consequence: retained intron. Not counted in ClinVar's aggregate classification.

Dr. Peter K. Rogan Lab, Western University
No classification provided (evidence only). Condition: Cervical cancer. Review status: no classification provided. Collection method: in vitro. Allele origin: not applicable. Functional consequence: retained intron. Not counted in ClinVar's aggregate classification.

Dr. Peter K. Rogan Lab, Western University
No classification provided (evidence only). Condition: Cervical cancer. Review status: no classification provided. Collection method: in vitro. Allele origin: not applicable. Functional consequence: retained intron. Not counted in ClinVar's aggregate classification.

Dr. Peter K. Rogan Lab, Western University
No classification provided (evidence only). Condition: Cervical cancer. Review status: no classification provided. Collection method: in vitro. Allele origin: not applicable. Functional consequence: retained intron. Not counted in ClinVar's aggregate classification.

Dr. Peter K. Rogan Lab, Western University
No classification provided (evidence only). Condition: Cervical cancer. Review status: no classification provided. Collection method: in vitro. Allele origin: not applicable. Functional consequence: skipped exon, retained intron. Not counted in ClinVar's aggregate classification.

Dr. Peter K. Rogan Lab, Western University
No classification provided (evidence only). Condition: Cervical cancer. Review status: no classification provided. Collection method: in vitro. Allele origin: not applicable. Functional consequence: retained intron. Not counted in ClinVar's aggregate classification.

Dr. Peter K. Rogan Lab, Western University
No classification provided (evidence only). Condition: Cervical cancer. Review status: no classification provided. Collection method: in vitro. Allele origin: not applicable. Functional consequence: retained intron. Not counted in ClinVar's aggregate classification.

Dr. Peter K. Rogan Lab, Western University
No classification provided (evidence only). Condition: Cervical cancer. Review status: no classification provided. Collection method: in vitro. Allele origin: not applicable. Functional consequence: retained intron. Not counted in ClinVar's aggregate classification.

Dr. Peter K. Rogan Lab, Western University
No classification provided (evidence only). Condition: Cervical cancer. Review status: no classification provided. Collection method: in vitro. Allele origin: not applicable. Functional consequence: skipped exon, retained intron. Not counted in ClinVar's aggregate classification.

Dr. Peter K. Rogan Lab, Western University
No classification provided (evidence only). Condition: Cervical cancer. Review status: no classification provided. Collection method: in vitro. Allele origin: not applicable. Functional consequence: retained intron. Not counted in ClinVar's aggregate classification.

Dr. Peter K. Rogan Lab, Western University
No classification provided (evidence only). Condition: Cervical cancer. Review status: no classification provided. Collection method: in vitro. Allele origin: not applicable. Functional consequence: retained intron. Not counted in ClinVar's aggregate classification.

Dr. Peter K. Rogan Lab, Western University
No classification provided (evidence only). Condition: Sarcoma. Review status: no classification provided. Collection method: in vitro. Allele origin: not applicable. Functional consequence: retained intron. Not counted in ClinVar's aggregate classification.

Dr. Peter K. Rogan Lab, Western University
No classification provided (evidence only). Condition: Sarcoma. Review status: no classification provided. Collection method: in vitro. Allele origin: not applicable. Functional consequence: retained intron. Not counted in ClinVar's aggregate classification.

Dr. Peter K. Rogan Lab, Western University
No classification provided (evidence only). Condition: Sarcoma. Review status: no classification provided. Collection method: in vitro. Allele origin: not applicable. Functional consequence: retained intron. Not counted in ClinVar's aggregate classification.

Dr. Peter K. Rogan Lab, Western University
No classification provided (evidence only). Condition: Sarcoma. Review status: no classification provided. Collection method: in vitro. Allele origin: not applicable. Functional consequence: retained intron. Not counted in ClinVar's aggregate classification.

Dr. Peter K. Rogan Lab, Western University
No classification provided (evidence only). Condition: Sarcoma. Review status: no classification provided. Collection method: in vitro. Allele origin: not applicable. Functional consequence: retained intron. Not counted in ClinVar's aggregate classification.

Dr. Peter K. Rogan Lab, Western University
No classification provided (evidence only). Condition: Sarcoma. Review status: no classification provided. Collection method: in vitro. Allele origin: not applicable. Functional consequence: retained intron. Not counted in ClinVar's aggregate classification.

Dr. Peter K. Rogan Lab, Western University
No classification provided (evidence only). Condition: Sarcoma. Review status: no classification provided. Collection method: in vitro. Allele origin: not applicable. Functional consequence: retained intron. Not counted in ClinVar's aggregate classification.

Dr. Peter K. Rogan Lab, Western University
No classification provided (evidence only). Condition: Sarcoma. Review status: no classification provided. Collection method: in vitro. Allele origin: not applicable. Functional consequence: skipped exon, retained intron. Not counted in ClinVar's aggregate classification.

Dr. Peter K. Rogan Lab, Western University
No classification provided (evidence only). Condition: Sarcoma. Review status: no classification provided. Collection method: in vitro. Allele origin: not applicable. Functional consequence: skipped exon, retained intron. Not counted in ClinVar's aggregate classification.

Dr. Peter K. Rogan Lab, Western University
No classification provided (evidence only). Condition: Hepatocellular carcinoma. Review status: no classification provided. Collection method: in vitro. Allele origin: not applicable. Functional consequence: retained intron. Not counted in ClinVar's aggregate classification.